The following is an entry in ClinVar:

NM_001037.5(SCN1B):c.19T>A (p.Leu7Ile)

Gene: SCN1B (sodium voltage-gated channel beta subunit 1; plus strand). Cytogenetic location: 19q13.11.
Variant type: single nucleotide variant.
Coding change: c.19T>A on transcript NM_001037.5 (MANE Select); coding-DNA position 19, T replaced by A.
Protein change: p.Leu7Ile; replaces leucine 7 with isoleucine.
Molecular consequence: missense variant.
Genome position (GRCh38, 1-based): chr19:35,030,839, T>A. VCF-style: chr19-35030839-T-A. GRCh37 (hg19) VCF-style: chr19-35521743-T-A.
Other names: c.19T>A, p.Leu7Ile (NM_199037.5); c.19T>A (NM_001037.4); short protein forms L7I.
Identifiers: ClinVar variation 1717247 (VCV001717247.6), dbSNP rs921444794, ClinGen allele CA405327815.

ClinVar aggregate classification (germline): Uncertain significance. Review status: criteria provided, multiple submitters, no conflicts (2 of 4 stars). 2 submissions from 2 submitters: Uncertain significance (2). Last evaluated 2025-02-06.

Conditions:
Brugada syndrome 5 (BRGDA5). Identifiers: Orphanet 130, Orphanet 871, MedGen C2748541, MONDO:0013015, OMIM 612838.

Submissions (2):

Labcorp Genetics (formerly Invitae), Labcorp
Classification: Uncertain significance for Brugada syndrome 5. Last evaluated: 2025-02-06. Review status: criteria provided, single submitter. Criteria: Invitae Variant Classification Sherloc (09022015). Collection method: clinical testing. Allele origin: germline.
Comment: This sequence change replaces leucine, which is neutral and non-polar, with isoleucine, which is neutral and non-polar, at codon 7 of the SCN1B protein (p.Leu7Ile). This variant is not present in population databases (gnomAD no frequency). This variant has not been reported in the literature in individuals affected with SCN1B-related conditions. ClinVar contains an entry for this variant (Variation ID: 1717247). Experimental studies and prediction algorithms are not available or were not evaluated, and the functional significance of this variant is currently unknown. In summary, the available evidence is currently insufficient to determine the role of this variant in disease. Therefore, it has been classified as a Variant of Uncertain Significance.

GeneDx
Classification: Uncertain significance. Last evaluated: 2024-03-06. Review status: criteria provided, single submitter. Criteria: GeneDx Variant Classification Process June 2021. Collection method: clinical testing. Allele origin: germline. Affected: yes.
Comment: Not observed at significant frequency in large population cohorts (gnomAD); In silico analysis supports that this missense variant does not alter protein structure/function; Has not been previously published as pathogenic or benign to our knowledge